The following is an entry in ClinVar:

ClinVar aggregate classification (germline): Pathogenic. Review status: criteria provided, multiple submitters, no conflicts (2 of 4 stars). 2 submissions from 2 submitters: Pathogenic (2). Last evaluated 2022-11-29.

Conditions:
Congenital factor V deficiency. Also called: LABILE FACTOR DEFICIENCY; OWREN PARAHEMOPHILIA; PARAHEMOPHILIA; Hereditary factor V deficiency disease. Identifiers: Orphanet 326, MedGen C0015499, MONDO:0009210, OMIM 227400.

Allele frequency attached by ClinVar (database versions not stated): TOPMed below 0.00001; ExAC 0.00001; gnomAD 0.00001; gnomAD exomes 0.00001.
gnomAD v4.1: 14 of 1,612,748 alleles (0.00087%); highest among the groups gnomAD compares: East Asian, 0.0067%; no homozygotes.

Submissions (3):

Labcorp Genetics (formerly Invitae), Labcorp
Classification: Pathogenic for Congenital factor V deficiency. Last evaluated: 2022-11-29. Review status: criteria provided, single submitter. Criteria: Invitae Variant Classification Sherloc (09022015). Collection method: clinical testing. Allele origin: germline.
Comment: This sequence change creates a premature translational stop signal (p.Arg534*) in the F5 gene. It is expected to result in an absent or disrupted protein product. Loss-of-function variants in F5 are known to be pathogenic (PMID: 30924984). For these reasons, this variant has been classified as Pathogenic. ClinVar contains an entry for this variant (Variation ID: 1452773). This premature translational stop signal has been observed in individual(s) with clinical features of F5-related conditions (PMID: 29082580). This variant is present in population databases (no rsID available, gnomAD 0.1%).

Juno Genomics, Hangzhou Juno Genomics, Inc
Classification: Pathogenic for Congenital factor V deficiency. Review status: criteria provided, single submitter. Criteria: ACMG Guidelines, 2015. Collection method: clinical testing. Allele origin: germline.
Comment: Null variant in a gene where loss of function (LOF) is a known mechanism of disease.;Absent from controls (or at extremely low frequency if recessive) in Genome Aggregation Database.;Patient's phenotype or family history is highly specific for a disease with a single genetic etiology.

Dr. Peter K. Rogan Lab, Western University
No classification provided (evidence only). Condition: Glioma susceptibility 1. Review status: no classification provided. Collection method: in vitro. Allele origin: not applicable. Functional consequence: retained intron. Not counted in ClinVar's aggregate classification.

Literature cited by the submitters: PubMed 30924984 (cited by Labcorp Genetics (formerly Invitae), Labcorp); PubMed 29082580 (cited by Labcorp Genetics (formerly Invitae), Labcorp).

NM_000130.5(F5):c.1600C>T (p.Arg534Ter)

Gene: F5 (coagulation factor V; minus strand). Cytogenetic location: 1q24.2.
Variant type: single nucleotide variant.
Coding change: c.1600C>T on transcript NM_000130.5 (MANE Select); coding-DNA position 1600, C replaced by T.
Protein change: p.Arg534Ter; replaces arginine 534 with a stop codon.
Molecular consequence: nonsense.
Genome position (GRCh38, 1-based): chr1:169,549,812, G>A on the plus strand (C>T on the coding strand, the complement: F5 is on the minus strand). VCF-style: chr1-169549812-G-A. GRCh37 (hg19) VCF-style: chr1-169519050-G-A.
Other names: NC_000001.10:g.169519050G>A; short protein forms R534*.
Identifiers: ClinVar variation 1452773 (VCV001452773.9), dbSNP rs770011773, ClinGen allele CA1234292.